The following is an entry in ClinVar:

NM_000540.3(RYR1):c.4748G>T (p.Arg1583Leu)

Gene: RYR1 (ryanodine receptor 1; plus strand). Cytogenetic location: 19q13.2.
Variant type: single nucleotide variant.
Coding change: c.4748G>T on transcript NM_000540.3 (MANE Select); coding-DNA position 4748, G replaced by T.
Protein change: p.Arg1583Leu; replaces arginine 1583 with leucine.
Molecular consequence: missense variant.
Genome position (GRCh38, 1-based): chr19:38,483,330, G>T. VCF-style: chr19-38483330-G-T. GRCh37 (hg19) VCF-style: chr19-38973970-G-T.
Other names: c.4748G>T, p.Arg1583Leu (NM_001042723.2); short protein forms R1583L.
Identifiers: ClinVar variation 1051524 (VCV001051524.7), dbSNP rs778411704, ClinGen allele CA405650293.

ClinVar aggregate classification (germline): Uncertain significance (1 of 4 stars; one submission).

Conditions:
RYR1-related disorder. Also called: RYR1-related condition; RYR1-related disorders. Identifiers: MedGen CN239331.

gnomAD v4.1: 1 of 1,560,136 alleles (0.000064%); highest among the groups gnomAD compares: East Asian, 0.0024%; no homozygotes.

Submission:

Labcorp Genetics (formerly Invitae), Labcorp
Classification: Uncertain significance for RYR1-related disorder. Last evaluated: 2022-02-03. Review status: criteria provided, single submitter. Criteria: Invitae Variant Classification Sherloc (09022015). Collection method: clinical testing. Allele origin: germline.
Comment: This sequence change replaces arginine, which is basic and polar, with leucine, which is neutral and non-polar, at codon 1583 of the RYR1 protein (p.Arg1583Leu). The frequency data for this variant in the population databases is considered unreliable, as metrics indicate poor data quality at this position in the gnomAD database. This variant has not been reported in the literature in individuals affected with RYR1-related conditions. ClinVar contains an entry for this variant (Variation ID: 1051524). Advanced modeling of protein sequence and biophysical properties (such as structural, functional, and spatial information, amino acid conservation, physicochemical variation, residue mobility, and thermodynamic stability) performed at Invitae indicates that this missense variant is not expected to disrupt RYR1 protein function. In summary, the available evidence is currently insufficient to determine the role of this variant in disease. Therefore, it has been classified as a Variant of Uncertain Significance.